The following is an entry in ClinVar:

NM_022089.4(ATP13A2):c.2640C>T (p.Ala880=)

Gene: ATP13A2 (ATPase cation transporting 13A2; minus strand). Cytogenetic location: 1p36.13.
Variant type: single nucleotide variant.
Coding change: c.2640C>T on transcript NM_022089.4 (MANE Select); coding-DNA position 2640, C replaced by T.
Protein change: p.Ala880=; no amino-acid change (alanine 880 retained).
Molecular consequence: synonymous variant.
Genome position (GRCh38, 1-based): chr1:16,988,444, G>A on the plus strand (C>T on the coding strand, the complement: ATP13A2 is on the minus strand). VCF-style: chr1-16988444-G-A. GRCh37 (hg19) VCF-style: chr1-17314939-G-A.
Other names: c.2625C>T, p.Ala875= (NM_001141973.3); c.2508C>T, p.Ala836= (NM_001141974.3).
Identifiers: ClinVar variation 626064 (VCV000626064.13), dbSNP rs567287489, ClinGen allele CA636747.

ClinVar aggregate classification (germline): Conflicting classifications of pathogenicity. Review status: criteria provided, conflicting classifications (1 of 4 stars). 4 submissions from 4 submitters: Uncertain significance (1); Likely benign (3). Last evaluated 2026-01-11.

Conditions:
Kufor-Rakeb syndrome (KRS). Also called: PARKINSON DISEASE 9, AUTOSOMAL RECESSIVE, JUVENILE-ONSET. Identifiers: Orphanet 306674, Orphanet 314632, MedGen C1847640, MONDO:0011706, OMIM 606693.
Autosomal recessive spastic paraplegia type 78. Identifiers: Orphanet 513436, MedGen C5567893, MONDO:0014975, OMIM 617225.
Inborn genetic diseases. Identifiers: MedGen C0950123, MeSH D030342.

Allele frequency attached by ClinVar (database versions not stated): gnomAD 0.00004 and 0.00006; TOPMed 0.00004; gnomAD exomes 0.00009 and 0.00010; ExAC 0.00011; 1000 Genomes Project 0.00020; 1000 Genomes Project 30x 0.00031.
gnomAD v4.1: 161 of 1,613,946 alleles (0.01%); highest among the groups gnomAD compares: South Asian, 0.027%; 1 homozygote.

Submissions (4):

Labcorp Genetics (formerly Invitae), Labcorp
Classification: Likely benign for Kufor-Rakeb syndrome; Autosomal recessive spastic paraplegia type 78. Last evaluated: 2026-01-11. Review status: criteria provided, single submitter. Criteria: Invitae Variant Classification Sherloc (09022015). Collection method: clinical testing. Allele origin: germline.

Blueprint Genetics
Classification: Likely benign. Last evaluated: 2022-11-18. Review status: criteria provided, single submitter. Criteria: ACMG Guidelines, 2015. Collection method: clinical testing. Allele origin: germline.

Ambry Genetics
Classification: Likely benign for Inborn genetic diseases. Last evaluated: 2017-07-12. Review status: criteria provided, single submitter. Criteria: Ambry Variant Classification Scheme 2023. Collection method: clinical testing. Allele origin: germline.

Center for Genomics, Ann and Robert H. Lurie Children's Hospital of Chicago
Classification: Uncertain significance for Autosomal recessive spastic paraplegia type 78; Kufor-Rakeb syndrome. Review status: criteria provided, single submitter. Criteria: ACMG Guidelines, 2015. Collection method: clinical testing. Allele origin: germline.
Comment: ATP13A2 NM_022089.3 exon 24 p.Ala880= (c.2640C>T): This variant has not been reported in the literature but is present in 0.03% (12/30616) of South Asian alleles, including 1 homozygote, in the Genome Aggregation Database. Evolutionary conservation and computational predictive tools for this variant are limited or unavailable. Of note, this variant is a silent variant and does not change the amino acid, reducing the probability that this variant is disease causing. In summary, data on this variant is insufficient for disease classification. Therefore, the clinical significance of this variant is uncertain